The following is an entry in ClinVar:

ClinVar aggregate classification (germline): Uncertain significance (1 of 4 stars; one submission).

Conditions:
Hereditary cancer-predisposing syndrome. Also called: Neoplastic Syndromes, Hereditary; Hereditary Cancer Syndrome; Tumor predisposition; Hereditary neoplastic syndrome. Identifiers: Orphanet 140162, MedGen C0027672, MeSH D009386, MONDO:0015356.

Submission:

Labcorp Genetics (formerly Invitae), Labcorp
Classification: Uncertain significance for Hereditary cancer-predisposing syndrome. Last evaluated: 2020-08-02. Review status: criteria provided, single submitter. Criteria: Invitae Variant Classification Sherloc (09022015). Collection method: clinical testing. Allele origin: germline.
Comment: In summary, the available evidence is currently insufficient to determine the role of this variant in disease. Therefore, it has been classified as a Variant of Uncertain Significance. This sequence change replaces glutamine with histidine at codon 194 of the RAD50 protein (p.Gln194His). The glutamine residue is moderately conserved and there is a small physicochemical difference between glutamine and histidine. This variant is not present in population databases (ExAC no frequency). This variant has not been reported in the literature in individuals with RAD50-related conditions. Algorithms developed to predict the effect of missense changes on protein structure and function are either unavailable or do not agree on the potential impact of this missense change (SIFT: "Tolerated"; PolyPhen-2: "Possibly Damaging"; Align-GVGD: "Class C0").

NM_005732.4(RAD50):c.582G>T (p.Gln194His)

Gene: RAD50 (RAD50 double strand break repair protein; plus strand). Cytogenetic location: 5q31.1.
Variant type: single nucleotide variant.
Coding change: c.582G>T on transcript NM_005732.4 (MANE Select); coding-DNA position 582, G replaced by T.
Protein change: p.Gln194His; replaces glutamine 194 with histidine.
Molecular consequence: missense variant.
Genome position (GRCh38, 1-based): chr5:132,579,892, G>T. VCF-style: chr5-132579892-G-T. GRCh37 (hg19) VCF-style: chr5-131915584-G-T.
Other names: short protein forms Q194H.
Identifiers: ClinVar variation 1037510 (VCV001037510.9), dbSNP rs1750473442, ClinGen allele CA360935608.